The following is an entry in ClinVar:

ClinVar aggregate classification (germline): Likely benign. Review status: criteria provided, multiple submitters, no conflicts (2 of 4 stars). 2 submissions from 2 submitters: Likely benign (2). Last evaluated 2025-12-19.

Conditions:
NAXD-related disorder. Also called: NAXD-related condition.

Allele frequency attached by ClinVar (database versions not stated): ESP Exome Variant Server 0.00015; gnomAD exomes 0.00016 and 0.00035; gnomAD 0.00026 and 0.00028; TOPMed 0.00034; ExAC 0.00037; 1000 Genomes Project 0.00060; 1000 Genomes Project 30x 0.00062.

Submissions (2):

Labcorp Genetics (formerly Invitae), Labcorp
Classification: Likely benign. Last evaluated: 2025-12-19. Review status: criteria provided, single submitter. Criteria: Invitae Variant Classification Sherloc (09022015). Collection method: clinical testing. Allele origin: germline.

PreventionGenetics, part of Exact Sciences
Classification: Likely benign for NAXD-related condition. Last evaluated: 2025-10-21. Review status: criteria provided, single submitter. Criteria: ACMG Guidelines, 2015. Collection method: clinical testing. Allele origin: germline.
Comment: This variant is classified as likely benign based on ACMG/AMP sequence variant interpretation guidelines (Richards et al. 2015 PMID: 25741868, with internal and published modifications).

NM_001242882.2(NAXD):c.376C>T (p.Arg126Trp)

Gene: NAXD (NAD(P)HX dehydratase; plus strand). Cytogenetic location: 13q34.
Variant type: single nucleotide variant.
Coding change: c.376C>T on transcript NM_001242882.2 (MANE Select); coding-DNA position 376, C replaced by T.
Protein change: p.Arg126Trp; replaces arginine 126 with tryptophan.
Molecular consequence: missense variant. On other transcripts: non-coding transcript variant (2).
Genome position (GRCh38, 1-based): chr13:110,627,482, C>T. VCF-style: chr13-110627482-C-T. GRCh37 (hg19) VCF-style: chr13-111279829-C-T.
Other names: c.430C>T, p.Arg144Trp (NM_001242881.2, NM_018210.4); c.100C>T, p.Arg34Trp (NM_001242883.2); c.430C>T (NM_018210.3); short protein forms R126W, R144W, R34W.
Identifiers: ClinVar variation 1534881 (VCV001534881.9), dbSNP rs146504568, ClinGen allele CA7051174.